The following is an entry in ClinVar:

ClinVar aggregate classification (germline): Uncertain significance. Review status: criteria provided, multiple submitters, no conflicts (2 of 4 stars). 4 submissions from 4 submitters: Uncertain significance (3). 1 of the submissions does not count toward it. Last evaluated 2024-11-08.

Conditions:
Inborn genetic diseases. Identifiers: MedGen C0950123, MeSH D030342.
Charcot-Marie-Tooth disease type 4. Also called: Charcot-Marie-Tooth, Type 4; Charcot-Marie-Tooth disease, type IV. Identifiers: Orphanet 64749, MedGen C4082197, MONDO:0018995.
Distal spinal muscular atrophy. Also called: Distal hereditary motor neuronopathy; Distal hereditary motor neuropathy. Identifiers: Orphanet 53739, MedGen C0393541, MONDO:0018894.

Allele frequency attached by ClinVar (database versions not stated): ExAC 0.00002; gnomAD exomes 0.00002; TOPMed 0.00003; ESP Exome Variant Server 0.00008.
gnomAD v4.1: 75 of 1,614,108 alleles (0.0046%); highest among the groups gnomAD compares: Non-Finnish European, 0.0059%; no homozygotes.

Submissions (4):

Ambry Genetics
Classification: Uncertain significance for Inborn genetic diseases. Last evaluated: 2024-11-08. Review status: criteria provided, single submitter. Criteria: Ambry Variant Classification Scheme 2023. Collection method: clinical testing. Allele origin: germline.

Mayo Clinic Laboratories, Mayo Clinic
Classification: Uncertain significance. Last evaluated: 2024-04-08. Review status: criteria provided, single submitter. Criteria: ACMG Guidelines, 2015. Collection method: clinical testing. Allele origin: germline. Observed: 1 variant allele.
Comment: BP4

Labcorp Genetics (formerly Invitae), Labcorp
Classification: Uncertain significance for Charcot-Marie-Tooth disease type 4. Last evaluated: 2022-04-25. Review status: criteria provided, single submitter. Criteria: Invitae Variant Classification Sherloc (09022015). Collection method: clinical testing. Allele origin: germline.
Comment: This sequence change replaces leucine, which is neutral and non-polar, with phenylalanine, which is neutral and non-polar, at codon 860 of the SH3TC2 protein (p.Leu860Phe). This variant is present in population databases (rs139958177, gnomAD 0.006%). This variant has not been reported in the literature in individuals affected with SH3TC2-related conditions. ClinVar contains an entry for this variant (Variation ID: 476900). Advanced modeling of protein sequence and biophysical properties (such as structural, functional, and spatial information, amino acid conservation, physicochemical variation, residue mobility, and thermodynamic stability) performed at Invitae indicates that this missense variant is not expected to disrupt SH3TC2 protein function. In summary, the available evidence is currently insufficient to determine the role of this variant in disease. Therefore, it has been classified as a Variant of Uncertain Significance.

Genesis Genome Database
Classification: Uncertain significance for Distal spinal muscular atrophy. Last evaluated: 2019-08-14. Review status: no assertion criteria provided. Collection method: research. Allele origin: germline. Affected: yes. Not counted in ClinVar's aggregate classification.

NM_024577.4(SH3TC2):c.2578C>T (p.Leu860Phe)

Gene: SH3TC2 (SH3 domain and tetratricopeptide repeats 2; minus strand). Cytogenetic location: 5q32.
Variant type: single nucleotide variant.
Coding change: c.2578C>T on transcript NM_024577.4 (MANE Select); coding-DNA position 2578, C replaced by T.
Protein change: p.Leu860Phe; replaces leucine 860 with phenylalanine.
Molecular consequence: missense variant.
Genome position (GRCh38, 1-based): chr5:149,027,154, G>A on the plus strand (C>T on the coding strand, the complement: SH3TC2 is on the minus strand). VCF-style: chr5-149027154-G-A. GRCh37 (hg19) VCF-style: chr5-148406717-G-A.
Other names: p.Leu860Phe; short protein forms L860F.
Identifiers: ClinVar variation 476900 (VCV000476900.7), dbSNP rs139958177, ClinGen allele CA3498967.
Genomic context (GRCh38, chr5:149,027,154, plus strand): 5'-CCATAGCCACTGCCTGGTTATGCACATCTCCCACCTCCTGGGCTCTGTTCAAGGCCCGAA[G>A]ATAGCTCTTGGCTGCCCTGTTCACCCGGCCTTCACCTTGGAGTGCAAGTCCCAGGAGGTT-3'
Protein context (NP_078853.2, residues 850-870): GRVNRAAKSY[Leu860Phe]RALNRAQEVG